The following is an entry in ClinVar:

NM_000440.3(PDE6A):c.1316C>T (p.Ser439Leu)

Gene: PDE6A (phosphodiesterase 6A; minus strand). Cytogenetic location: 5q32.
Variant type: single nucleotide variant.
Coding change: c.1316C>T on transcript NM_000440.3 (MANE Select); coding-DNA position 1316, C replaced by T.
Protein change: p.Ser439Leu; replaces serine 439 with leucine.
Molecular consequence: missense variant.
Genome position (GRCh38, 1-based): chr5:149,898,454, G>A on the plus strand (C>T on the coding strand, the complement: PDE6A is on the minus strand). VCF-style: chr5-149898454-G-A. GRCh37 (hg19) VCF-style: chr5-149278017-G-A.
Other names: short protein forms S439L.
Identifiers: ClinVar variation 1382006 (VCV001382006.6), dbSNP rs2113592687, ClinGen allele CA361696248.

ClinVar aggregate classification (germline): Uncertain significance (1 of 4 stars; one submission).

Submission:

Labcorp Genetics (formerly Invitae), Labcorp
Classification: Uncertain significance. Last evaluated: 2024-10-16. Review status: criteria provided, single submitter. Criteria: Invitae Variant Classification Sherloc (09022015). Collection method: clinical testing. Allele origin: germline.
Comment: This sequence change replaces serine, which is neutral and polar, with leucine, which is neutral and non-polar, at codon 439 of the PDE6A protein (p.Ser439Leu). This variant is not present in population databases (gnomAD no frequency). This variant has not been reported in the literature in individuals affected with PDE6A-related conditions. ClinVar contains an entry for this variant (Variation ID: 1382006). Invitae Evidence Modeling of protein sequence and biophysical properties (such as structural, functional, and spatial information, amino acid conservation, physicochemical variation, residue mobility, and thermodynamic stability) indicates that this missense variant is not expected to disrupt PDE6A protein function with a negative predictive value of 95%. In summary, the available evidence is currently insufficient to determine the role of this variant in disease. Therefore, it has been classified as a Variant of Uncertain Significance.